The following is an entry in ClinVar:

ClinVar aggregate classification (germline): Benign. Review status: criteria provided, single submitter (1 of 4 stars). 2 submissions from 2 submitters: Benign (1). 1 of the submissions does not count toward it. Last evaluated 2023-10-01.

Conditions:
Retinal dystrophy. Also called: Inherited retinal dystrophy. Identifiers: Orphanet 71862, MedGen C0854723, MeSH D058499, MONDO:0019118, HP:0000556.
Retinitis pigmentosa (RP). Identifiers: Orphanet 791, MedGen C0035334, MeSH D012174, MONDO:0019200, OMIM 268000. Inheritance: Autosomal dominant, autosomal recessive and X linked inheritance.

Allele frequency attached by ClinVar (database versions not stated): gnomAD exomes below 0.00001; TOPMed below 0.00001; ExAC 0.00001.
gnomAD v4.1: 18 of 1,614,032 alleles (0.0011%); highest among the groups gnomAD compares: East Asian, 0.038%; no homozygotes.

Submissions (2):

Dept Of Ophthalmology, Nagoya University
Classification: Benign for Retinal dystrophy. Last evaluated: 2023-10-01. Review status: criteria provided, single submitter. Criteria: Submitter's publication. Collection method: research. Allele origin: germline. Affected: yes.

Department of Ophthalmology and Visual Sciences Kyoto University
Classification: Likely pathogenic for Retinitis pigmentosa. Review status: no assertion criteria provided. Collection method: not provided. Allele origin: unknown. Not counted in ClinVar's aggregate classification.
ClinVar note: Converted during submission from probable-pathogenic to Likely pathogenic.

NM_006269.2(RP1):c.4876G>A (p.Gly1626Arg)

Gene: RP1 (RP1 axonemal microtubule associated; plus strand). Cytogenetic location: 8q12.1.
Variant type: single nucleotide variant.
Coding change: c.4876G>A on transcript NM_006269.2 (MANE Select); coding-DNA position 4876, G replaced by A.
Protein change: p.Gly1626Arg; replaces glycine 1626 with arginine.
Molecular consequence: missense variant.
Genome position (GRCh38, 1-based): chr8:54,628,758, G>A. VCF-style: chr8-54628758-G-A. GRCh37 (hg19) VCF-style: chr8-55541318-G-A.
Other names: short protein forms G1626R.
Identifiers: ClinVar variation 143135 (VCV000143135.3), dbSNP rs527236106, ClinGen allele CA270093.